The following is an entry in ClinVar:

ClinVar aggregate classification (germline): Pathogenic (1 of 4 stars; one submission).

Conditions:
Primary ciliary dyskinesia. Also called: Ciliary dyskinesia. Identifiers: Orphanet 244, MedGen C0008780, MONDO:0016575, HP:0012265.

Submission:

Labcorp Genetics (formerly Invitae), Labcorp
Classification: Pathogenic for Primary ciliary dyskinesia. Last evaluated: 2016-11-19. Review status: criteria provided, single submitter. Criteria: Invitae Variant Classification Sherloc (09022015). Collection method: clinical testing. Allele origin: germline.
Comment: For these reasons, this variant has been classified as Pathogenic. While this particular variant has not been reported in the literature, loss-of-function variants in DNAH5 are known to be pathogenic (PMID: 16627867, 11788826). This sequence change creates a premature translational stop signal at codon 187 (p.Glu187*) of the DNAH5 gene. It is expected to result in an absent or disrupted protein product.

Literature cited by the submitters: PubMed 16627867; PubMed 11788826.

NM_001369.3(DNAH5):c.559G>T (p.Glu187Ter)

Gene: DNAH5 (dynein axonemal heavy chain 5; minus strand). Cytogenetic location: 5p15.2.
Variant type: single nucleotide variant.
Coding change: c.559G>T on transcript NM_001369.3 (MANE Select); coding-DNA position 559, G replaced by T.
Protein change: p.Glu187Ter; replaces glutamic acid 187 with a stop codon.
Molecular consequence: nonsense.
Genome position (GRCh38, 1-based): chr5:13,922,208, C>A on the plus strand (G>T on the coding strand, the complement: DNAH5 is on the minus strand). VCF-style: chr5-13922208-C-A. GRCh37 (hg19) VCF-style: chr5-13922317-C-A.
Other names: short protein forms E187*.
Identifiers: ClinVar variation 407216 (VCV000407216.7), dbSNP rs759059925, ClinGen allele CA16612017.
Genomic context (GRCh38, chr5:13,922,208, plus strand): 5'-CAAAGCCTTCCAGGGAGCTCAAGAACTCCTGGCGAATGTTAGCTGCGTCCTGAAGGCCCT[C>A]GAGCTCGCCCCAGCCATGGCTCGTGGCTCTGAGAGCAGGAATGAAGATGTCCGACAGCAA-3'